The following is an entry in ClinVar:

ClinVar aggregate classification (germline): Likely benign. Review status: criteria provided, single submitter (1 of 4 stars). 2 submissions from 2 submitters: Likely benign (1). 1 of the submissions does not count toward it. Last evaluated 2024-05-30.

Conditions:
CHD4-related disorder. Also called: CHD4-related condition.

Allele frequency attached by ClinVar (database versions not stated): gnomAD exomes 0.00015 and 0.00013; TOPMed 0.00013; gnomAD 0.00014 and 0.00012; ExAC 0.00023; ESP Exome Variant Server 0.00038.
gnomAD v4.1: 210 of 1,610,578 alleles (0.013%); highest among the groups gnomAD compares: Middle Eastern, 0.033%; no homozygotes.

Submissions (2):

Labcorp Genetics (formerly Invitae), Labcorp
Classification: Likely benign. Last evaluated: 2024-05-30. Review status: criteria provided, single submitter. Criteria: Invitae Variant Classification Sherloc (09022015). Collection method: clinical testing. Allele origin: germline.

PreventionGenetics, part of Exact Sciences
Classification: Likely benign for CHD4-related condition. Last evaluated: 2024-04-17. Review status: no assertion criteria provided. Collection method: clinical testing. Allele origin: germline. Not counted in ClinVar's aggregate classification.
Comment: This variant is classified as likely benign based on ACMG/AMP sequence variant interpretation guidelines (Richards et al. 2015 PMID: 25741868, with internal and published modifications).

NM_001273.5(CHD4):c.4635T>C (p.Thr1545=)

Genes: CHD4-AS1 (CHD4 antisense RNA 1; plus strand), CHD4 (chromodomain helicase DNA binding protein 4; minus strand). Cytogenetic location: 12p13.31.
Variant type: single nucleotide variant.
Coding change: c.4635T>C on transcript NM_001273.5 (MANE Select); coding-DNA position 4635, T replaced by C.
Protein change: p.Thr1545=; no amino-acid change (threonine 1545 retained).
Molecular consequence: synonymous variant.
Genome position (GRCh38, 1-based): chr12:6,581,695, A>G on the plus strand (T>C on the coding strand, the complement: CHD4 is on the minus strand). VCF-style: chr12-6581695-A-G. GRCh37 (hg19) VCF-style: chr12-6690861-A-G.
Other names: c.4635T>C (NM_001273.3); c.4614T>C, p.Thr1538= (NM_001297553.2); c.4596T>C, p.Thr1532= (NM_001363606.2).
Identifiers: ClinVar variation 1669856 (VCV001669856.9), dbSNP rs148990354, ClinGen allele CA6411535.